The following is an entry in ClinVar:

ClinVar aggregate classification (germline): Uncertain significance (1 of 4 stars; one submission).

gnomAD v4.1: 2 of 1,613,962 alleles (0.00012%); highest among the groups gnomAD compares: Admixed American, 0.0017%; no homozygotes.

Submission:

Labcorp Genetics (formerly Invitae), Labcorp
Classification: Uncertain significance. Last evaluated: 2025-04-02. Review status: criteria provided, single submitter. Criteria: Invitae Variant Classification Sherloc (09022015). Collection method: clinical testing. Allele origin: germline.
Comment: This sequence change replaces valine, which is neutral and non-polar, with leucine, which is neutral and non-polar, at codon 915 of the ANK1 protein (p.Val915Leu). This variant is not present in population databases (gnomAD no frequency). This variant has not been reported in the literature in individuals affected with ANK1-related conditions. Invitae Evidence Modeling of protein sequence and biophysical properties (such as structural, functional, and spatial information, amino acid conservation, physicochemical variation, residue mobility, and thermodynamic stability) has been performed for this missense variant. However, the output from this modeling did not meet the statistical confidence thresholds required to predict the impact of this variant on ANK1 protein function. In summary, the available evidence is currently insufficient to determine the role of this variant in disease. Therefore, it has been classified as a Variant of Uncertain Significance.

NM_000037.4(ANK1):c.2743G>C (p.Val915Leu)

Gene: ANK1 (ankyrin 1; minus strand). Cytogenetic location: 8p11.21.
Variant type: single nucleotide variant.
Coding change: c.2743G>C on transcript NM_000037.4 (MANE Select); coding-DNA position 2743, G replaced by C.
Protein change: p.Val915Leu; replaces valine 915 with leucine.
Molecular consequence: missense variant.
Genome position (GRCh38, 1-based): chr8:41,696,580, C>G on the plus strand (G>C on the coding strand, the complement: ANK1 is on the minus strand). VCF-style: chr8-41696580-C-G. GRCh37 (hg19) VCF-style: chr8-41554098-C-G.
Other names: c.2743G>C, p.Val915Leu (NM_020475.3, NM_020476.3, NM_020477.3); c.2866G>C, p.Val956Leu (NM_001142446.2); short protein forms V956L, V915L.
Identifiers: ClinVar variation 4769723 (VCV004769723.1).